The following is an entry in ClinVar:

NM_020686.6(ABAT):c.1453G>A (p.Ala485Thr)

Gene: ABAT (4-aminobutyrate aminotransferase; plus strand). Cytogenetic location: 16p13.2.
Variant type: single nucleotide variant.
Coding change: c.1453G>A on transcript NM_020686.6 (MANE Select); coding-DNA position 1453, G replaced by A.
Protein change: p.Ala485Thr; replaces alanine 485 with threonine.
Molecular consequence: missense variant. On other transcripts: synonymous variant (2).
Genome position (GRCh38, 1-based): chr16:8,781,380, G>A. VCF-style: chr16-8781380-G-A. GRCh37 (hg19) VCF-style: chr16-8875237-G-A.
Other names: c.1453G>A, p.Ala485Thr (NM_000663.5, NM_001127448.2, NM_001386600.1 and 4 more transcripts); c.1414G>A, p.Ala472Thr (NM_001386605.1); c.1390G>A, p.Ala464Thr (NM_001386606.1, NM_001386607.1); c.1360G>A, p.Ala454Thr (NM_001386608.1); c.1341G>A, p.Thr447= (NM_001386609.1); c.1318G>A, p.Ala440Thr (NM_001386610.1, NM_001386611.1); c.1255G>A, p.Ala419Thr (NM_001386612.1, NM_001386613.1); c.1207G>A, p.Ala403Thr (NM_001386614.1); and 2 more; short protein forms A403T, A419T, A440T, A454T, A464T, A472T, A485T, A517T.
Identifiers: ClinVar variation 2579782 (VCV002579782.2), dbSNP rs966657877, ClinGen allele CA277475959.

ClinVar aggregate classification (germline): Uncertain significance (1 of 4 stars; one submission).

Allele frequency attached by ClinVar (database versions not stated): gnomAD exomes below 0.00001; TOPMed below 0.00001; gnomAD 0.00001.
gnomAD v4.1: 5 of 1,614,026 alleles (0.00031%); highest among the groups gnomAD compares: African/African-American, 0.0013%; no homozygotes.

Submission:

GeneDx
Classification: Uncertain significance. Last evaluated: 2025-06-30. Review status: criteria provided, single submitter. Criteria: GeneDx Variant Classification Process June 2021. Collection method: clinical testing. Allele origin: germline.
Comment: Not observed at significant frequency in large population cohorts (gnomAD); In silico analysis supports that this missense variant has a deleterious effect on protein structure/function; Has not been previously published as pathogenic or benign to our knowledge